The following is an entry in ClinVar:

ClinVar aggregate classification (germline): Uncertain significance (1 of 4 stars; one submission).

Submission:

Labcorp Genetics (formerly Invitae), Labcorp
Classification: Uncertain significance. Last evaluated: 2025-07-22. Review status: criteria provided, single submitter. Criteria: Invitae Variant Classification Sherloc (09022015). Collection method: clinical testing. Allele origin: germline.
Comment: This variant, c.7344_7346dup, results in the insertion of 1 amino acid(s) of the FN1 protein (p.His2449dup), but otherwise preserves the integrity of the reading frame. This variant is not present in population databases (gnomAD no frequency). This variant has not been reported in the literature in individuals affected with FN1-related conditions. In summary, the available evidence is currently insufficient to determine the role of this variant in disease. Therefore, it has been classified as a Variant of Uncertain Significance.

NM_212482.4(FN1):c.7344_7346dup (p.His2449_Gln2450insHis)

Genes: ATIC (5-aminoimidazole-4-carboxamide ribonucleotide formyltransferase/IMP cyclohydrolase; plus strand), FN1 (fibronectin 1; minus strand). Cytogenetic location: 2q35.
Variant type: Duplication.
Coding change: c.7344_7346dup on transcript NM_212482.4 (MANE Select); coding-DNA positions 7344 to 7346, 3 bases duplicated (CCA; older notation c.7344_7346dupCCA).
Protein change: p.His2449_Gln2450insHis.
Molecular consequence: inframe insertion.
Genome position (GRCh38, 1-based): chr2:215,361,985-215,361,987, TGG duplicated on the plus strand (CCA on the coding strand, the reverse complement: FN1 is on the minus strand); duplicating any 3 consecutive bases within chr2:215,361,985-215,361,988 gives the same sequence; the c. name uses the placement nearest the transcript's 3' end. VCF-style (leftmost placement, unchanged base first): chr2-215361984-A-ATGG. GRCh37 (hg19) VCF-style: chr2-216226707-A-ATGG.
Other names: c.7251_7253dup, p.His2418_Gln2419insHis (NM_001306129.2); c.6714_6716dup, p.His2239_Gln2240insHis (NM_001306130.2); c.6708_6710dup, p.His2237_Gln2238insHis (NM_001306131.2); c.6633_6635dup, p.His2212_Gln2213insHis (NM_001306132.2); c.7074_7076dup, p.His2359_Gln2360insHis (NM_001365517.2); c.7071_7073dup, p.His2358_Gln2359insHis (NM_001365518.2); c.6999_7001dup, p.His2334_Gln2335insHis (NM_001365519.2); c.6996_6998dup, p.His2333_Gln2334insHis (NM_001365520.2); and 8 more.
Identifiers: ClinVar variation 4702075 (VCV004702075.1).